The following is an entry in ClinVar:

ClinVar aggregate classification (germline): Uncertain significance (1 of 4 stars; one submission).

Submission:

GeneDx
Classification: Uncertain significance. Last evaluated: 2020-06-25. Review status: criteria provided, single submitter. Criteria: GeneDx Variant Classification Process June 2021. Collection method: clinical testing. Allele origin: germline. Affected: yes.
Comment: Has not been previously published as pathogenic or benign to our knowledge; Not observed in large population cohorts (Lek et al., 2016); In silico analysis supports that this missense variant has a deleterious effect on protein structure/function

NM_003239.5(TGFB3):c.827C>T (p.Pro276Leu)

Gene: TGFB3 (transforming growth factor beta 3; minus strand). Cytogenetic location: 14q24.3.
Variant type: single nucleotide variant.
Coding change: c.827C>T on transcript NM_003239.5 (MANE Select); coding-DNA position 827, C replaced by T.
Protein change: p.Pro276Leu; replaces proline 276 with leucine.
Molecular consequence: missense variant.
Genome position (GRCh38, 1-based): chr14:75,963,415, G>A on the plus strand (C>T on the coding strand, the complement: TGFB3 is on the minus strand). VCF-style: chr14-75963415-G-A. GRCh37 (hg19) VCF-style: chr14-76429758-G-A.
Other names: c.827C>T, p.Pro276Leu (NM_001329938.2, NM_001329939.2); short protein forms P276L.
Identifiers: ClinVar variation 1312782 (VCV001312782.2), dbSNP rs2140238230, ClinGen allele CA390468473.